The following is an entry in ClinVar:

ClinVar aggregate classification (germline): Uncertain significance (1 of 4 stars; one submission).

Conditions:
Inborn genetic diseases. Identifiers: MedGen C0950123, MeSH D030342.

Submission:

Ambry Genetics
Classification: Uncertain significance for Inborn genetic diseases. Last evaluated: 2026-03-16. Review status: criteria provided, single submitter. Criteria: Ambry Variant Classification Scheme 2023. Collection method: clinical testing. Allele origin: germline.
Comment: The p.T636S variant (also known as c.1906A>T), located in coding exon 22 of the RTEL1 gene, results from an A to T substitution at nucleotide position 1906. The threonine at codon 636 is replaced by serine, an amino acid with similar properties. This amino acid position is conserved. In addition, this alteration is predicted to be tolerated by in silico analysis. Based on the available evidence, the clinical significance of this variant remains unclear.

NM_001283009.2(RTEL1):c.1906A>T (p.Thr636Ser)

Genes: RTEL1 (regulator of telomere elongation helicase 1; plus strand), RTEL1-TNFRSF6B (RTEL1-TNFRSF6B readthrough (NMD candidate); plus strand). Cytogenetic location: 20q13.33.
Variant type: single nucleotide variant.
Coding change: c.1906A>T on transcript NM_001283009.2 (MANE Select); coding-DNA position 1906, A replaced by T.
Protein change: p.Thr636Ser; replaces threonine 636 with serine.
Molecular consequence: missense variant. On other transcripts: non-coding transcript variant (1).
Genome position (GRCh38, 1-based): chr20:63,689,529, A>T. VCF-style: chr20-63689529-A-T. GRCh37 (hg19) VCF-style: chr20-62320882-A-T.
Other names: c.1237A>T, p.Thr413Ser (NM_001283010.1); c.1906A>T, p.Thr636Ser (NM_016434.4); c.1978A>T, p.Thr660Ser (NM_032957.5); short protein forms T413S, T636S, T660S.
Identifiers: ClinVar variation 4863515 (VCV004863515.1).